The following is an entry in ClinVar:

NM_001035.3(RYR2):c.12497A>G (p.Lys4166Arg)

Genes: RYR2 (ryanodine receptor 2; plus strand), LOC126806068 (BRD4-independent group 4 enhancer GRCh37_chr1:237947411-237948610; plus strand). Cytogenetic location: 1q43.
Variant type: single nucleotide variant.
Coding change: c.12497A>G on transcript NM_001035.3 (MANE Select); coding-DNA position 12497, A replaced by G.
Protein change: p.Lys4166Arg; replaces lysine 4166 with arginine.
Molecular consequence: missense variant.
Genome position (GRCh38, 1-based): chr1:237,784,209, A>G. VCF-style: chr1-237784209-A-G. GRCh37 (hg19) VCF-style: chr1-237947509-A-G.
Other names: short protein forms K4166R.
Identifiers: ClinVar variation 1331878 (VCV001331878.9), dbSNP rs1450189858, ClinGen allele CA345413476.

ClinVar aggregate classification (germline): Uncertain significance. Review status: criteria provided, multiple submitters, no conflicts (2 of 4 stars). 2 submissions from 2 submitters: Uncertain significance (2). Last evaluated 2024-03-06.

Conditions:
Cardiomyopathy (CMYO). Also called: Cardiomyopathies. Identifiers: Orphanet 167848, MedGen C0878544, MONDO:0004994, HP:0001638. Inheritance: Various modes of inheritance.
Catecholaminergic polymorphic ventricular tachycardia 1. Also called: VENTRICULAR TACHYCARDIA, CATECHOLAMINERGIC POLYMORPHIC, 1, WITH OR WITHOUT ATRIAL DYSFUNCTION AND/OR DILATED CARDIOMYOPATHY; VENTRICULAR TACHYCARDIA, STRESS-INDUCED POLYMORPHIC 1; RYR2-Related Catecholaminergic Polymorphic Ventricular Tachycardia. Identifiers: Orphanet 3286, MedGen C1631597, MONDO:0011484, OMIM 604772.

Allele frequency attached by ClinVar (database versions not stated): TOPMed below 0.00001; gnomAD 0.00001; gnomAD exomes 0.00001.
gnomAD v4.1: 15 of 1,613,922 alleles (0.00093%); highest among the groups gnomAD compares: Non-Finnish European, 0.0013%; no homozygotes.

Submissions (2):

Color Diagnostics, LLC DBA Color Health
Classification: Uncertain significance for Cardiomyopathy. Last evaluated: 2024-03-06. Review status: criteria provided, single submitter. Criteria: ACMG Guidelines, 2015. Collection method: clinical testing. Allele origin: germline.
Comment: This missense variant replaces lysine with arginine at codon 4166 of the RYR2 protein. Computational prediction suggests that this variant may have deleterious impact on protein structure and function (internally defined REVEL score threshold >= 0.7, PMID: 27666373). To our knowledge, functional studies have not been reported for this variant. This variant has not been reported in individuals affected with cardiovascular disorders in the literature. This variant has not been identified in the general population by the Genome Aggregation Database (gnomAD). The available evidence is insufficient to determine the role of this variant in disease conclusively. Therefore, this variant is classified as a Variant of Uncertain Significance.

Labcorp Genetics (formerly Invitae), Labcorp
Classification: Uncertain significance for Catecholaminergic polymorphic ventricular tachycardia 1. Last evaluated: 2024-02-05. Review status: criteria provided, single submitter. Criteria: Invitae Variant Classification Sherloc (09022015). Collection method: clinical testing. Allele origin: germline.
Comment: This sequence change replaces lysine, which is basic and polar, with arginine, which is basic and polar, at codon 4166 of the RYR2 protein (p.Lys4166Arg). This variant is not present in population databases (gnomAD no frequency). This variant has not been reported in the literature in individuals affected with RYR2-related conditions. ClinVar contains an entry for this variant (Variation ID: 1331878). Advanced modeling of protein sequence and biophysical properties (such as structural, functional, and spatial information, amino acid conservation, physicochemical variation, residue mobility, and thermodynamic stability) performed at Invitae indicates that this missense variant is expected to disrupt RYR2 protein function with a positive predictive value of 80%. In summary, the available evidence is currently insufficient to determine the role of this variant in disease. Therefore, it has been classified as a Variant of Uncertain Significance.